The following is an entry in ClinVar:

ClinVar aggregate classification (germline): Likely benign (0 of 4 stars; one submission).

Conditions:
BSN-related disorder. Also called: BSN-related condition.

Allele frequency attached by ClinVar (database versions not stated): gnomAD exomes 0.00008; gnomAD 0.00009; TOPMed 0.00009; ExAC 0.00016; ESP Exome Variant Server 0.00023.
gnomAD v4.1: 131 of 1,612,478 alleles (0.0081%); highest among the groups gnomAD compares: Non-Finnish European, 0.01%; 1 homozygote.

Submission:

PreventionGenetics, part of Exact Sciences
Classification: Likely benign for BSN-related condition. Last evaluated: 2019-03-14. Review status: no assertion criteria provided. Collection method: clinical testing. Allele origin: germline.
Comment: This variant is classified as likely benign based on ACMG/AMP sequence variant interpretation guidelines (Richards et al. 2015 PMID: 25741868, with internal and published modifications).

NM_003458.4(BSN):c.11370A>G (p.Pro3790=)

Gene: BSN (bassoon presynaptic cytomatrix protein; plus strand). Cytogenetic location: 3p21.31.
Variant type: single nucleotide variant.
Coding change: c.11370A>G on transcript NM_003458.4 (MANE Select); coding-DNA position 11370, A replaced by G.
Protein change: p.Pro3790=; no amino-acid change (proline 3790 retained).
Molecular consequence: synonymous variant.
Genome position (GRCh38, 1-based): chr3:49,663,528, A>G. VCF-style: chr3-49663528-A-G. GRCh37 (hg19) VCF-style: chr3-49700961-A-G.
Identifiers: ClinVar variation 3046762 (VCV003046762.2), dbSNP rs374380385, ClinGen allele CA2401491.
Genomic context (GRCh38, chr3:49,663,528, plus strand): 5'-GGCAGCATCACGCCAGCCACAGACACAGCAGCAGCAGCAAGGTCTTGGGCTGCAGCCCCC[A>G]CAGCAGGCTCTGACACAGGCTCGGCTGCAGCAACAGAGCCAGCCAACCACCCGGGGCTCA-3'
Protein context (NP_003449.2, residues 3780-3800): QQQQGLGLQP[Pro3790=]QQALTQARLQ